The following is an entry in ClinVar:

NM_018089.3(ANKZF1):c.55C>T (p.Leu19Phe)

Gene: ANKZF1 (ankyrin repeat and zinc finger peptidyl tRNA hydrolase 1; plus strand). Cytogenetic location: 2q35.
Variant type: single nucleotide variant.
Coding change: c.55C>T on transcript NM_018089.3 (MANE Select); coding-DNA position 55, C replaced by T.
Protein change: p.Leu19Phe; replaces leucine 19 with phenylalanine.
Molecular consequence: missense variant. On other transcripts: intron variant (1).
Genome position (GRCh38, 1-based): chr2:219,230,312, C>T. VCF-style: chr2-219230312-C-T. GRCh37 (hg19) VCF-style: chr2-220095034-C-T.
Other names: c.55C>T, p.Leu19Phe (NM_001042410.2); c.-267+412C>T (NM_001282792.2); short protein forms L19F.
Identifiers: ClinVar variation 4811982 (VCV004811982.1).

ClinVar aggregate classification (germline): Uncertain significance (1 of 4 stars; one submission).

gnomAD v4.1: 9 of 1,614,020 alleles (0.00056%); highest among the groups gnomAD compares: South Asian, 0.0088%; no homozygotes.

Submission:

Labcorp Genetics (formerly Invitae), Labcorp
Classification: Uncertain significance. Last evaluated: 2025-04-30. Review status: criteria provided, single submitter. Criteria: Invitae Variant Classification Sherloc (09022015). Collection method: clinical testing. Allele origin: germline.
Comment: This sequence change replaces leucine, which is neutral and non-polar, with phenylalanine, which is neutral and non-polar, at codon 19 of the ANKZF1 protein (p.Leu19Phe). This variant is present in population databases (rs755439594, gnomAD 0.006%). This variant has not been reported in the literature in individuals affected with ANKZF1-related conditions. An algorithm developed to predict the effect of missense changes on protein structure and function (PolyPhen-2) suggests that this variant is likely to be disruptive. In summary, the available evidence is currently insufficient to determine the role of this variant in disease. Therefore, it has been classified as a Variant of Uncertain Significance.